The following is an entry in ClinVar:

ClinVar aggregate classification (germline): Conflicting classifications of pathogenicity. Review status: criteria provided, conflicting classifications (1 of 4 stars). 2 submissions from 2 submitters: Uncertain significance (1); Likely benign (1). Last evaluated 2024-02-28.

Conditions:
Developmental and epileptic encephalopathy, 54. Also called: Epileptic encephalopathy, early infantile, 54; HNRNPU-Related Neurodevelopmental Disorder. Identifiers: MedGen C4479319, MONDO:0033363, OMIM 617391.
Cornelia de Lange syndrome 1 (CDLS1). Also called: Brachmann de Lange syndrome; NIPBL-Related Cornelia de Lange Syndrome; TYPUS DEGENERATIVUS AMSTELODAMENSIS. Identifiers: Orphanet 199, MedGen C4551851, MONDO:0007387, OMIM 122470.

Allele frequency attached by ClinVar (database versions not stated): gnomAD exomes below 0.00001.
gnomAD v4.1: 2 of 1,614,198 alleles (0.00012%); highest among the groups gnomAD compares: South Asian, 0.0011%; no homozygotes.

Submissions (2):

Fulgent Genetics
Classification: Uncertain significance for Cornelia de Lange syndrome 1. Last evaluated: 2024-02-28. Review status: criteria provided, single submitter. Criteria: ACMG Guidelines, 2015. Collection method: clinical testing. Allele origin: germline.

Laboratory of Functional Genomics, Research Centre for Medical Genetics
Classification: Likely benign for Developmental and epileptic encephalopathy, 54. Last evaluated: 2022-02-03. Review status: criteria provided, single submitter. Criteria: ACMG Guidelines, 2015. Collection method: clinical testing. Allele origin: paternal, unknown. Inheritance: Autosomal dominant inheritance. Affected: yes and no. Observed: 2 heterozygotes.
Comment: Variant is abscent in gnomAD. The variant is absent in large population studies. So, according to ACMG criteria (PM2, PP2, BS4) the variant could be classified as variant of uncertain significance, but we came to the conclusion that described above patogenic variant NM_031844.3(HNRNPU):c.1665_1666del is the cause of clinical features, so NIPBL variant should be classified as likely benign.

NM_133433.4(NIPBL):c.8101A>G (p.Met2701Val)

Gene: NIPBL (NIPBL cohesin loading factor; plus strand). Cytogenetic location: 5p13.2.
Variant type: single nucleotide variant.
Coding change: c.8101A>G on transcript NM_133433.4 (MANE Select); coding-DNA position 8101, A replaced by G.
Protein change: p.Met2701Val; replaces methionine 2701 with valine.
Molecular consequence: missense variant. On other transcripts: 3 prime UTR variant (1).
Genome position (GRCh38, 1-based): chr5:37,064,578, A>G. VCF-style: chr5-37064578-A-G. GRCh37 (hg19) VCF-style: chr5-37064680-A-G.
Other names: chr5:37064680A>G; c.*555A>G (NM_015384.5); short protein forms M2701V.
Identifiers: ClinVar variation 2920673 (VCV002920673.3), dbSNP rs2478768967, ClinGen allele CA359522065.
Genomic context (GRCh38, chr5:37,064,578, plus strand): 5'-ATGTTTTAGTCATTGAGAAGGTCAAAACGAAATTCAGACTCTACGGAGTTGGCAGCACAG[A>G]TGAATGAAAGTGTTGACGTCATGGATGTCATCGCTATTTGCTGTCCAAAGTACAAAGATC-3'
Protein context (NP_597677.2, residues 2691-2711): NSDSTELAAQ[Met2701Val]NESVDVMDVI